The following is an entry in ClinVar:

NM_001849.4(COL6A2):c.1661A>G (p.Lys554Arg)

Gene: COL6A2 (collagen type VI alpha 2 chain; plus strand). Cytogenetic location: 21q22.3.
Variant type: single nucleotide variant.
Coding change: c.1661A>G on transcript NM_001849.4 (MANE Select); coding-DNA position 1661, A replaced by G.
Protein change: p.Lys554Arg; replaces lysine 554 with arginine.
Molecular consequence: missense variant.
Genome position (GRCh38, 1-based): chr21:46,122,927, A>G. VCF-style: chr21-46122927-A-G. GRCh37 (hg19) VCF-style: chr21-47542841-A-G.
Other names: c.1661A>G, p.Lys554Arg (NM_058174.3, NM_058175.3); short protein forms K554R.
Identifiers: ClinVar variation 899127 (VCV000899127.19), dbSNP rs754196388, ClinGen allele CA10072075.

ClinVar aggregate classification (germline): Conflicting classifications of pathogenicity. Review status: criteria provided, conflicting classifications (1 of 4 stars). 4 submissions from 4 submitters: Uncertain significance (2); Likely benign (2). Last evaluated 2025-11-06.

Conditions:
Collagen 6-related myopathy. Identifiers: MedGen CN117976, MONDO:0100225.
Bethlem myopathy 1A. Also called: MYOPATHY, BENIGN CONGENITAL, WITH CONTRACTURES; Bethlem myopathy 1; Bethlem Muscular Dystrophy. Identifiers: Orphanet 610, MedGen CN029274, MONDO:0024530, OMIM 158810.

Allele frequency attached by ClinVar (database versions not stated): gnomAD 0.00005; gnomAD exomes 0.00006 and 0.00015; TOPMed 0.00011; ExAC 0.00015.
gnomAD v4.1: 106 of 1,613,074 alleles (0.0066%); highest among the groups gnomAD compares: East Asian, 0.21%; no homozygotes.

Submissions (4):

Labcorp Genetics (formerly Invitae), Labcorp
Classification: Likely benign for Bethlem myopathy 1A. Last evaluated: 2025-11-06. Review status: criteria provided, single submitter. Criteria: Invitae Variant Classification Sherloc (09022015). Collection method: clinical testing. Allele origin: germline.

CeGaT Center for Human Genetics Tuebingen
Classification: Uncertain significance. Last evaluated: 2025-11-01. Review status: criteria provided, single submitter. Criteria: CeGaT Center For Human Genetics Tuebingen Variant Classification Criteria Version 2. Collection method: clinical testing. Allele origin: germline. Affected: yes. Observed: 1 variant allele.
Comment: COL6A2: PM2

Revvity Omics, Revvity
Classification: Uncertain significance. Last evaluated: 2022-03-01. Review status: criteria provided, single submitter. Criteria: ACMG Guidelines, 2015. Collection method: clinical testing. Allele origin: germline.

Illumina Laboratory Services, Illumina
Classification: Likely benign for Collagen VI-related myopathy. Last evaluated: 2017-08-16. Review status: criteria provided, single submitter. Criteria: ICSL Variant Classification Criteria 13 December 2019. Collection method: clinical testing. Allele origin: germline.
Comment: This variant was observed as part of a predisposition screen in an ostensibly healthy population. A literature search was performed for the gene, cDNA change, and amino acid change (where applicable). Publications were found based on this search. The evidence from the literature, in combination with allele frequency data from public databases where available, was sufficient to determine this variant is unlikely to cause disease. Therefore, this variant is classified as likely benign.

Literature cited by the submitters: PubMed 25635128 (cited by Illumina Laboratory Services, Illumina).